The following is an entry in ClinVar:

ClinVar aggregate classification (germline): Likely pathogenic (1 of 4 stars; one submission).

Conditions:
Biotinidase deficiency. Also called: BTD deficiency; Late-onset biotin-responsive multiple carboxylase deficiency; Biotin deficiency. Identifiers: Orphanet 79241, MedGen C0220754, MONDO:0009665, OMIM 253260.

Submission:

Natera, Inc.
Classification: Likely pathogenic for Biotinidase deficiency. Last evaluated: 2025-11-14. Review status: criteria provided, single submitter. Criteria: Natera Variant Classification Schema (03/2026). Collection method: clinical testing. Allele origin: germline.
Comment: The c.1432G>C variant in BTD is a missense variant predicted to cause substitution of alanine to proline at amino acid 478. This variant is rare in the general population with a frequency below the threshold expected for the associated phenotype(s). This variant has been observed in one or more individuals affected with the associated recessive disease, as either homozygous or compound heterozygous with a second variant (PMID: 38299772, 19757147). This variant has been identified in one or more affected individuals with a phenotype highly consistent with the associated gene (PMID: 19757147). Computational prediction algorithms indicate this variant is likely to affect gene or protein function. Given the available evidence, this variant is classified as Likely Pathogenic.

Literature cited by the submitters: PubMed 38299772; PubMed 19757147.

NM_000060.4:c.1432G>C

Variant type: single nucleotide variant.
Other names: c.1432G>C (NM_000060.4).
Identifiers: ClinVar variation 4815972 (VCV004815972.1).